The following is an entry in ClinVar:

ClinVar aggregate classification (germline): Uncertain significance (1 of 4 stars; one submission).

Conditions:
Hereditary cancer-predisposing syndrome. Also called: Hereditary Cancer Syndrome; Hereditary neoplastic syndrome; Neoplastic Syndromes, Hereditary; Tumor predisposition. Identifiers: Orphanet 140162, MedGen C0027672, MeSH D009386, MONDO:0015356.

Submission:

Ambry Genetics
Classification: Uncertain significance for Hereditary cancer-predisposing syndrome. Last evaluated: 2025-09-14. Review status: criteria provided, single submitter. Criteria: Ambry Variant Classification Scheme 2023. Collection method: clinical testing. Allele origin: germline.
Comment: The p.V170G variant (also known as c.509T>G), located in coding exon 1 of the GREM1 gene, results from a T to G substitution at nucleotide position 509. The valine at codon 170 is replaced by glycine, an amino acid with dissimilar properties. This amino acid position is conserved. In addition, the in silico prediction for this alteration is inconclusive. Based on the available evidence, the clinical significance of this variant remains unclear.

NM_013372.7(GREM1):c.509T>G (p.Val170Gly)

Gene: GREM1 (gremlin 1, DAN family BMP antagonist; plus strand). Cytogenetic location: 15q13.3.
Variant type: single nucleotide variant.
Coding change: c.509T>G on transcript NM_013372.7 (MANE Select); coding-DNA position 509, T replaced by G.
Protein change: p.Val170Gly; replaces valine 170 with glycine.
Molecular consequence: missense variant.
Genome position (GRCh38, 1-based): chr15:32,731,199, T>G. VCF-style: chr15-32731199-T-G. GRCh37 (hg19) VCF-style: chr15-33023400-T-G.
Other names: c.299T>G, p.Val100Gly (NM_001191322.2); c.386T>G, p.Val129Gly (NM_001191323.2); c.509T>G, p.Val170Gly (NM_001368719.1); short protein forms V170G, V129G, V100G.
Identifiers: ClinVar variation 4266782 (VCV004266782.1).